The following is an entry in ClinVar:

ClinVar aggregate classification (germline): Uncertain significance (1 of 4 stars; one submission).

Conditions:
Pancreatic adenocarcinoma. Identifiers: MedGen C0281361, MONDO:0006047, HP:0006725.

Allele frequency attached by ClinVar (database versions not stated): TOPMed 0.00001.

Submission:

Labcorp Genetics (formerly Invitae), Labcorp
Classification: Uncertain significance for Pancreatic adenocarcinoma. Last evaluated: 2019-11-22. Review status: criteria provided, single submitter. Criteria: Invitae Variant Classification Sherloc (09022015). Collection method: clinical testing. Allele origin: germline.
Comment: In summary, this variant is a novel missense change that is not predicted to affect protein function. There is no indication that it causes disease, but the available evidence is currently insufficient to prove that conclusively. Therefore, it has been classified as a Variant of Uncertain Significance. Algorithms developed to predict the effect of missense changes on protein structure and function (SIFT, PolyPhen-2, Align-GVGD) all suggest that this variant is likely to be tolerated, but these predictions have not been confirmed by published functional studies. While this variant is not present in population databases, the frequency information is unreliable, as metrics indicate poor data quality at this position in the ExAC database. This variant has not been reported in the literature in individuals with a PALLD-related disease. This sequence change replaces glutamic acid with glutamine at codon 76 of the PALLD protein (p.Glu76Gln). The glutamic acid residue is weakly conserved and there is a small physicochemical difference between glutamic acid and glutamine.

NM_001166108.2(PALLD):c.1965-12805G>C

Gene: PALLD (palladin, cytoskeletal associated protein; plus strand). Cytogenetic location: 4q32.3.
Variant type: single nucleotide variant.
Coding change: c.1965-12805G>C on transcript NM_001166108.2 (MANE Select); 12805 bases into the intron before coding-DNA position 1965, G replaced by C.
Molecular consequence: intron variant. On other transcripts: missense variant (1).
Genome position (GRCh38, 1-based): chr4:168,878,117, G>C. VCF-style: chr4-168878117-G-C. GRCh37 (hg19) VCF-style: chr4-169799268-G-C.
Other names: c.226G>C, p.Glu76Gln (NM_001166110.2); c.1965-12805G>C (NM_016081.4); c.819-12805G>C (NM_001166109.2); c.-157-12805G>C (NM_001367570.1, NM_001367568.1, NM_001367567.1 and 1 more transcripts); short protein forms E76Q.
Identifiers: ClinVar variation 476385 (VCV000476385.10), dbSNP rs1553965295, ClinGen allele CA358795648.
Genomic context (GRCh38, chr4:168,878,117, plus strand): 5'-CCGACGCCGAGGCAGTTCGGCCGCGCCCCCGTGCCGCCCTTCGCGCAGCCCTTCGGCGCT[G>C]AGCCCGAGGCCCCGTGGGGCTCCTCCTCGCCGTCGCCCCCGCCCCCGCCACCCCCGGTCT-3'